The following is an entry in ClinVar:

NM_003743.5(NCOA1):c.2447A>G (p.Gln816Arg)

Gene: NCOA1 (nuclear receptor coactivator 1; plus strand). Cytogenetic location: 2p23.3.
Variant type: single nucleotide variant.
Coding change: c.2447A>G on transcript NM_003743.5 (MANE Select); coding-DNA position 2447, A replaced by G.
Protein change: p.Gln816Arg; replaces glutamine 816 with arginine.
Molecular consequence: missense variant.
Genome position (GRCh38, 1-based): chr2:24,710,959, A>G. VCF-style: chr2-24710959-A-G. GRCh37 (hg19) VCF-style: chr2-24933828-A-G.
Other names: c.2447A>G, p.Gln816Arg (NM_001362950.1, NM_001362952.1, NM_001362954.1 and 3 more transcripts); short protein forms Q816R.
Identifiers: ClinVar variation 5000276 (VCV005000276.1).

ClinVar aggregate classification (germline): Uncertain significance (1 of 4 stars; one submission).

Conditions:
NCOA1-related disorder. Also called: NCOA1-related condition.

Submission:

PreventionGenetics, part of Exact Sciences
Classification: Uncertain significance for NCOA1-related condition. Last evaluated: 2026-08-15. Review status: criteria provided, single submitter. Criteria: ACMG Guidelines, 2015. Collection method: clinical testing. Allele origin: germline.
Comment: The NCOA1 c.2447A>G variant is predicted to result in the amino acid substitution p.Gln816Arg. To our knowledge, this variant has not been reported in the literature or in a large population database (gnomAD), indicating this variant is rare. At this time, the clinical significance of this variant is uncertain due to the absence of conclusive functional and genetic evidence.